The following is an entry in ClinVar:

ClinVar aggregate classification (germline): Likely benign (0 of 4 stars; one submission).

Conditions:
TSIX-related disorder. Also called: TSIX-related condition.

Allele frequency attached by ClinVar (database versions not stated): gnomAD exomes 0.00012; ExAC 0.00024; ESP Exome Variant Server 0.00066; 1000 Genomes Project 0.00079; 1000 Genomes Project 30x 0.00083; gnomAD 0.00089; TOPMed 0.00103.
gnomAD v4.1: 154 of 556,428 alleles (0.028%); highest among the groups gnomAD compares: African/African-American, 0.31%; no homozygotes.

Submission:

PreventionGenetics, part of Exact Sciences
Classification: Likely benign for TSIX-related condition. Last evaluated: 2022-11-02. Review status: no assertion criteria provided. Collection method: clinical testing. Allele origin: germline.
Comment: This variant is classified as likely benign based on ACMG/AMP sequence variant interpretation guidelines (Richards et al. 2015 PMID: 25741868, with internal and published modifications).

NR_003255.2(TSIX):n.35037G>A

Genes: TSIX (TSIX transcript, XIST antisense RNA; plus strand), XIST (X inactive specific transcript; minus strand). Cytogenetic location: Xq13.2.
Variant type: single nucleotide variant.
Molecular consequence: non-coding transcript variant (on NR_003255.2).
Genome position: GRCh38 VCF-style: chrX-73827241-G-A. GRCh37 (hg19) VCF-style: chrX-73047076-G-A.
Identifiers: ClinVar variation 3036330 (VCV003036330.2), dbSNP rs187945496, ClinGen allele CA10452414.